The following is an entry in ClinVar:

NM_005751.5(AKAP9):c.245C>G (p.Thr82Arg)

Gene: AKAP9 (A-kinase anchoring protein 9; plus strand). Cytogenetic location: 7q21.2.
Variant type: single nucleotide variant.
Coding change: c.245C>G on transcript NM_005751.5 (MANE Select); coding-DNA position 245, C replaced by G.
Protein change: p.Thr82Arg; replaces threonine 82 with arginine.
Molecular consequence: missense variant.
Genome position (GRCh38, 1-based): chr7:91,973,907, C>G. VCF-style: chr7-91973907-C-G. GRCh37 (hg19) VCF-style: chr7-91603221-C-G.
Other names: c.245C>G, p.Thr82Arg (NM_147185.3); short protein forms T82R.
Identifiers: ClinVar variation 3225028 (VCV003225028.1), dbSNP rs2484599149, ClinGen allele CA368118783.

ClinVar aggregate classification (germline): Uncertain significance (1 of 4 stars; one submission).

Conditions:
Cardiovascular phenotype. Identifiers: MedGen CN230736.

Submission:

Ambry Genetics
Classification: Uncertain significance for Cardiovascular phenotype. Last evaluated: 2024-02-29. Review status: criteria provided, single submitter. Criteria: Ambry Variant Classification Scheme 2023. Collection method: clinical testing. Allele origin: germline.
Comment: The p.T82R variant (also known as c.245C>G), located in coding exon 2 of the AKAP9 gene, results from a C to G substitution at nucleotide position 245. The threonine at codon 82 is replaced by arginine, an amino acid with similar properties. This amino acid position is conserved. In addition, this alteration is predicted to be tolerated by in silico analysis. Based on the available evidence, the clinical significance of this alteration remains unclear.